The following is an entry in ClinVar:

ClinVar aggregate classification (germline): Uncertain significance (1 of 4 stars; one submission).

gnomAD v4.1: 1 of 1,613,940 alleles (0.000062%); highest among the groups gnomAD compares: Non-Finnish European, 0.000085%; no homozygotes.

Submission:

Labcorp Genetics (formerly Invitae), Labcorp
Classification: Uncertain significance. Last evaluated: 2024-08-21. Review status: criteria provided, single submitter. Criteria: Invitae Variant Classification Sherloc (09022015). Collection method: clinical testing. Allele origin: germline.
Comment: This sequence change replaces lysine, which is basic and polar, with asparagine, which is neutral and polar, at codon 379 of the SLCO5A1 protein (p.Lys379Asn). This variant is not present in population databases (gnomAD no frequency). This variant has not been reported in the literature in individuals affected with SLCO5A1-related conditions. An algorithm developed to predict the effect of missense changes on protein structure and function (PolyPhen-2) suggests that this variant is likely to be tolerated. In summary, the available evidence is currently insufficient to determine the role of this variant in disease. Therefore, it has been classified as a Variant of Uncertain Significance.

NM_030958.3(SLCO5A1):c.1137G>C (p.Lys379Asn)

Gene: SLCO5A1 (solute carrier organic anion transporter family member 5A1; minus strand). Cytogenetic location: 8q13.3.
Variant type: single nucleotide variant.
Coding change: c.1137G>C on transcript NM_030958.3 (MANE Select); coding-DNA position 1137, G replaced by C.
Protein change: p.Lys379Asn; replaces lysine 379 with asparagine.
Molecular consequence: missense variant.
Genome position (GRCh38, 1-based): chr8:69,755,545, C>G on the plus strand (G>C on the coding strand, the complement: SLCO5A1 is on the minus strand). VCF-style: chr8-69755545-C-G. GRCh37 (hg19) VCF-style: chr8-70667780-C-G.
Other names: c.1137G>C, p.Lys379Asn (NM_001146008.2, NM_001146009.1); short protein forms K379N.
Identifiers: ClinVar variation 3662786 (VCV003662786.2).